The following is an entry in ClinVar:

NM_002336.3(LRP6):c.1989A>C (p.Glu663Asp)

Gene: LRP6 (LDL receptor related protein 6; minus strand). Cytogenetic location: 12p13.2.
Variant type: single nucleotide variant.
Coding change: c.1989A>C on transcript NM_002336.3 (MANE Select); coding-DNA position 1989, A replaced by C.
Protein change: p.Glu663Asp; replaces glutamic acid 663 with aspartic acid.
Molecular consequence: missense variant. On other transcripts: non-coding transcript variant (1), intron variant (1).
Genome position (GRCh38, 1-based): chr12:12,164,336, T>G on the plus strand (A>C on the coding strand, the complement: LRP6 is on the minus strand). VCF-style: chr12-12164336-T-G. GRCh37 (hg19) VCF-style: chr12-12317270-T-G.
Other names: c.1989A>C, p.Glu663Asp (NM_001414244.1, NM_001414245.1, NM_001414246.1 and 4 more transcripts); c.1791A>C, p.Glu597Asp (NM_001414247.1); c.1536A>C, p.Glu512Asp (NM_001414252.1, NM_001414253.1, NM_001414254.1); c.1546-1917A>C (NM_001414255.1); short protein forms E512D, E597D, E663D.
Identifiers: ClinVar variation 4764869 (VCV004764869.1).
Genomic context (GRCh38, chr12:12,164,336, plus strand): 5'-GAGTGATATATCAGTCCAATAAATTCGGTTGTCTGTCACATCAAAATCCAAAGCAGAAGC[T>G]TCTTTGACACCAGTGAGTGGAATAGCCACATTATTATTGTTTGTTTCCAGAGAAATTCGT-3'
Protein context (NP_002327.2, residues 653-673): NVAIPLTGVK[Glu663Asp]ASALDFDVTD

ClinVar aggregate classification (germline): Uncertain significance (1 of 4 stars; one submission).

gnomAD v4.1: 6 of 1,614,044 alleles (0.00037%); highest among the groups gnomAD compares: Non-Finnish European, 0.00051%; no homozygotes.

Submission:

Labcorp Genetics (formerly Invitae), Labcorp
Classification: Uncertain significance. Last evaluated: 2025-12-16. Review status: criteria provided, single submitter. Criteria: Invitae Variant Classification Sherloc (09022015). Collection method: clinical testing. Allele origin: germline.
Comment: This sequence change replaces glutamic acid, which is acidic and polar, with aspartic acid, which is acidic and polar, at codon 663 of the LRP6 protein (p.Glu663Asp). This variant is present in population databases (no rsID available, gnomAD 0.0009%). This variant has not been reported in the literature in individuals affected with LRP6-related conditions. Invitae Evidence Modeling of protein sequence and biophysical properties (such as structural, functional, and spatial information, amino acid conservation, physicochemical variation, residue mobility, and thermodynamic stability) indicates that this missense variant is not expected to disrupt LRP6 protein function with a negative predictive value of 80%. In summary, the available evidence is currently insufficient to determine the role of this variant in disease. Therefore, it has been classified as a Variant of Uncertain Significance.